The following is an entry in ClinVar:

NM_001931.5(DLAT):c.1823T>A (p.Val608Glu)

Genes: DLAT (dihydrolipoamide S-acetyltransferase; plus strand), PIH1D2 (PIH1 domain containing 2; minus strand). Cytogenetic location: 11q23.1.
Variant type: single nucleotide variant.
Coding change: c.1823T>A on transcript NM_001931.5 (MANE Select); coding-DNA position 1823, T replaced by A.
Protein change: p.Val608Glu; replaces valine 608 with glutamic acid.
Molecular consequence: missense variant. On other transcripts: non-coding transcript variant (1).
Genome position (GRCh38, 1-based): chr11:112,062,414, T>A. VCF-style: chr11-112062414-T-A. GRCh37 (hg19) VCF-style: chr11-111933138-T-A.
Other names: c.1841T>A, p.Val614Glu (NM_001372031.1); c.1817T>A, p.Val606Glu (NM_001372032.1); c.1802T>A, p.Val601Glu (NM_001372033.1); c.1790T>A, p.Val597Glu (NM_001372034.1); c.1715T>A, p.Val572Glu (NM_001372035.1); c.1697T>A, p.Val566Glu (NM_001372036.1); c.1655T>A, p.Val552Glu (NM_001372037.1); c.1544T>A, p.Val515Glu (NM_001372038.1); and 4 more; short protein forms V454E, V467E, V481E, V503E, V515E, V552E, V566E, V572E.
Identifiers: ClinVar variation 1717122 (VCV001717122.5), dbSNP rs2498718723, ClinGen allele CA382619755.

ClinVar aggregate classification (germline): Uncertain significance (1 of 4 stars; one submission).

Conditions:
Pyruvate dehydrogenase E2 deficiency (PDHDD). Also called: LACTIC ACIDEMIA DUE TO DEFECT OF E2 LIPOYL TRANSACETYLASE OF THE PYRUVATE DEHYDROGENASE COMPLEX; Dihydrolipoamide Acetyltransferase (E2) Deficiency. Identifiers: Orphanet 765, Orphanet 79244, MedGen C1855565, MONDO:0009502, OMIM 245348.

Submission:

Labcorp Genetics (formerly Invitae), Labcorp
Classification: Uncertain significance for Pyruvate dehydrogenase E2 deficiency. Last evaluated: 2024-08-19. Review status: criteria provided, single submitter. Criteria: Invitae Variant Classification Sherloc (09022015). Collection method: clinical testing. Allele origin: germline.
Comment: This sequence change replaces valine, which is neutral and non-polar, with glutamic acid, which is acidic and polar, at codon 608 of the DLAT protein (p.Val608Glu). This variant is not present in population databases (gnomAD no frequency). This variant has not been reported in the literature in individuals affected with DLAT-related conditions. ClinVar contains an entry for this variant (Variation ID: 1717122). Invitae Evidence Modeling of protein sequence and biophysical properties (such as structural, functional, and spatial information, amino acid conservation, physicochemical variation, residue mobility, and thermodynamic stability) indicates that this missense variant is not expected to disrupt DLAT protein function with a negative predictive value of 80%. In summary, the available evidence is currently insufficient to determine the role of this variant in disease. Therefore, it has been classified as a Variant of Uncertain Significance.